The following is an entry in ClinVar:

NM_001182.5(ALDH7A1):c.650+15C>G

Gene: ALDH7A1 (aldehyde dehydrogenase 7 family member A1; minus strand). Cytogenetic location: 5q23.2.
Variant type: single nucleotide variant.
Coding change: c.650+15C>G on transcript NM_001182.5 (MANE Select); 15 bases into the intron after coding-DNA position 650, C replaced by G.
Molecular consequence: intron variant.
Genome position (GRCh38, 1-based): chr5:126,577,064, G>C on the plus strand (C>G on the coding strand, the complement: ALDH7A1 is on the minus strand). VCF-style: chr5-126577064-G-C. GRCh37 (hg19) VCF-style: chr5-125912756-G-C.
Other names: c.650+15C>G (NM_001202404.2); c.566+15C>G (NM_001201377.2).
Identifiers: ClinVar variation 391951 (VCV000391951.1), dbSNP rs773601863, ClinGen allele CA3389714.

ClinVar aggregate classification (germline): Likely benign (1 of 4 stars; one submission).

Allele frequency attached by ClinVar (database versions not stated): ExAC 0.00001.

Submission:

GeneDx
Classification: Likely benign. Last evaluated: 2016-12-13. Review status: criteria provided, single submitter. Criteria: GeneDx Variant Classification (06012015). Collection method: clinical testing. Allele origin: germline. Affected: yes.
Comment: This variant is considered likely benign or benign based on one or more of the following criteria: it is a conservative change, it occurs at a poorly conserved position in the protein, it is predicted to be benign by multiple in silico algorithms, and/or has population frequency not consistent with disease.